The following is an entry in ClinVar:

NM_003356.4(UCP3):c.38T>G (p.Met13Arg)

Gene: UCP3 (uncoupling protein 3; minus strand). Cytogenetic location: 11q13.4.
Variant type: single nucleotide variant.
Coding change: c.38T>G on transcript NM_003356.4 (MANE Select); coding-DNA position 38, T replaced by G.
Protein change: p.Met13Arg; replaces methionine 13 with arginine.
Molecular consequence: missense variant.
Genome position (GRCh38, 1-based): chr11:74,007,005, A>C on the plus strand (T>G on the coding strand, the complement: UCP3 is on the minus strand). VCF-style: chr11-74007005-A-C. GRCh37 (hg19) VCF-style: chr11-73718050-A-C.
Other names: c.38T>G, p.Met13Arg (NM_022803.3); c.38T>G (NM_003356.3); short protein forms M13R.
Identifiers: ClinVar variation 2987178 (VCV002987178.4), dbSNP rs2496129353, ClinGen allele CA381816301.
Genomic context (GRCh38, chr11:74,007,005, plus strand): 5'-GGAAAGGTAACGAGGTCAGCAAAACAGGCTGCTGTGCCTGCCCCCAGGAACTTCACAGCC[A>C]TGGTGGGAGGCACGTCTGAAGGCTTCAGTCCAACCATAGTCCTGGAAGGCTCTGCCCAGT-3'
Protein context (NP_003347.1, residues 3-23): GLKPSDVPPT[Met13Arg]AVKFLGAGTA

ClinVar aggregate classification (germline): Uncertain significance. Review status: criteria provided, single submitter (1 of 4 stars). 2 submissions from 2 submitters: Uncertain significance (1). 1 of the submissions does not count toward it. Last evaluated 2025-10-19.

Conditions:
UCP3-related disorder. Also called: UCP3-related condition.

Allele frequency attached by ClinVar (database versions not stated): gnomAD exomes below 0.00001.

Submissions (2):

Labcorp Genetics (formerly Invitae), Labcorp
Classification: Uncertain significance. Last evaluated: 2025-10-19. Review status: criteria provided, single submitter. Criteria: Invitae Variant Classification Sherloc (09022015). Collection method: clinical testing. Allele origin: germline.
Comment: This sequence change replaces methionine, which is neutral and non-polar, with arginine, which is basic and polar, at codon 13 of the UCP3 protein (p.Met13Arg). This variant is not present in population databases (gnomAD no frequency). This variant has not been reported in the literature in individuals affected with UCP3-related conditions. ClinVar contains an entry for this variant (Variation ID: 2987178). An algorithm developed to predict the effect of missense changes on protein structure and function (PolyPhen-2) suggests that this variant is likely to be tolerated. In summary, the available evidence is currently insufficient to determine the role of this variant in disease. Therefore, it has been classified as a Variant of Uncertain Significance.

PreventionGenetics, part of Exact Sciences
Classification: Uncertain significance for UCP3-related condition. Last evaluated: 2024-08-19. Review status: no assertion criteria provided. Collection method: clinical testing. Allele origin: germline. Not counted in ClinVar's aggregate classification.
Comment: The UCP3 c.38T>G variant is predicted to result in the amino acid substitution p.Met13Arg. To our knowledge, this variant has not been reported in the literature or in a large population database, indicating this variant is rare. At this time, the clinical significance of this variant is uncertain due to the absence of conclusive functional and genetic evidence.